The following is an entry in ClinVar:

ClinVar aggregate classification (germline): Uncertain significance (1 of 4 stars; one submission).

Submission:

GeneDx
Classification: Uncertain significance. Last evaluated: 2025-10-15. Review status: criteria provided, single submitter. Criteria: GeneDx Variant Classification Process June 2021. Collection method: clinical testing. Allele origin: germline. Affected: yes.
Comment: Not observed at significant frequency in large population cohorts (gnomAD); In silico analysis, which includes protein predictors and evolutionary conservation, supports a deleterious effect; Has not been previously published as pathogenic or benign to our knowledge

NM_004187.5(KDM5C):c.1425C>A (p.Asn475Lys)

Gene: KDM5C (lysine demethylase 5C; minus strand). Cytogenetic location: Xp11.22.
Variant type: single nucleotide variant.
Coding change: c.1425C>A on transcript NM_004187.5 (MANE Select); coding-DNA position 1425, C replaced by A.
Protein change: p.Asn475Lys; replaces asparagine 475 with lysine.
Molecular consequence: missense variant. On other transcripts: non-coding transcript variant (3).
Genome position (GRCh38, 1-based): chrX:53,210,834, G>T on the plus strand (C>A on the coding strand, the complement: KDM5C is on the minus strand). VCF-style: chrX-53210834-G-T. GRCh37 (hg19) VCF-style: chrX-53240016-G-T.
Other names: c.1224C>A, p.Asn408Lys (NM_001146702.2); c.1422C>A, p.Asn474Lys (NM_001282622.3, NM_001353979.2, NM_001353982.2); c.1425C>A, p.Asn475Lys (NM_001353978.3, NM_001353981.2, NM_001353984.2); short protein forms N408K, N474K, N475K.
Identifiers: ClinVar variation 1307495 (VCV001307495.3), dbSNP rs2146916689, ClinGen allele CA413129167.
Genomic context (GRCh38, chrX:53,210,834, plus strand): 5'-AGAGATATCTGCATTGATGTGGCACAGTACAGACTGTTCCAACACCGGCATCACATTTAG[G>T]TTCCAACCACTGGTAGCATACTCCTGCCAGGTCAGGTATTTGTAAAAAGGGCATGAGGGT-3'
Protein context (NP_004178.2, residues 465-485): EEEEYATSGW[Asn475Lys]LNVMPVLEQS